The following is an entry in ClinVar:

NM_000553.6(WRN):c.2055G>C (p.Arg685Ser)

Gene: WRN (WRN RecQ like helicase; plus strand). Cytogenetic location: 8p12.
Variant type: single nucleotide variant.
Coding change: c.2055G>C on transcript NM_000553.6 (MANE Select); coding-DNA position 2055, G replaced by C.
Protein change: p.Arg685Ser; replaces arginine 685 with serine.
Molecular consequence: missense variant.
Genome position (GRCh38, 1-based): chr8:31,100,922, G>C. VCF-style: chr8-31100922-G-C. GRCh37 (hg19) VCF-style: chr8-30958438-G-C.
Other names: short protein forms R685S.
Identifiers: ClinVar variation 2099261 (VCV002099261.4), dbSNP rs1397209481, ClinGen allele CA370908779.

ClinVar aggregate classification (germline): Uncertain significance (1 of 4 stars; one submission).

Conditions:
Werner syndrome (WRN). Identifiers: Orphanet 902, MedGen C0043119, MONDO:0010196, OMIM 277700.

Submission:

Labcorp Genetics (formerly Invitae), Labcorp
Classification: Uncertain significance for Werner syndrome. Last evaluated: 2022-02-19. Review status: criteria provided, single submitter. Criteria: Invitae Variant Classification Sherloc (09022015). Collection method: clinical testing. Allele origin: germline.
Comment: This variant has not been reported in the literature in individuals affected with WRN-related conditions. In summary, the available evidence is currently insufficient to determine the role of this variant in disease. Therefore, it has been classified as a Variant of Uncertain Significance. Algorithms developed to predict the effect of missense changes on protein structure and function are either unavailable or do not agree on the potential impact of this missense change (SIFT: "Not Available"; PolyPhen-2: "Probably Damaging"; Align-GVGD: "Not Available"). This variant is not present in population databases (gnomAD no frequency). This sequence change replaces arginine, which is basic and polar, with serine, which is neutral and polar, at codon 685 of the WRN protein (p.Arg685Ser).